The following is an entry in ClinVar:

ClinVar aggregate classification (germline): Pathogenic (1 of 4 stars; one submission).

Conditions:
Duchenne muscular dystrophy (DMD). Also called: MUSCULAR DYSTROPHY, PSEUDOHYPERTROPHIC PROGRESSIVE, DUCHENNE TYPE; Duchenne Muscular Dystrophy (DMD). Identifiers: Orphanet 98896, MedGen C0013264, MONDO:0010679, OMIM 310200.

Submission:

Labcorp Genetics (formerly Invitae), Labcorp
Classification: Pathogenic for Duchenne muscular dystrophy. Last evaluated: 2025-12-15. Review status: criteria provided, single submitter. Criteria: Invitae Variant Classification Sherloc (09022015). Collection method: clinical testing. Allele origin: germline.
Comment: This sequence change creates a premature translational stop signal (p.Glu1356*) in the DMD gene. It is expected to result in an absent or disrupted protein product. Loss-of-function variants in DMD are known to be pathogenic (PMID: 16770791, 25007885). This variant is not present in population databases (gnomAD no frequency). This variant has not been reported in the literature in individuals affected with DMD-related conditions. For these reasons, this variant has been classified as Pathogenic.

Literature cited by the submitters: PubMed 16770791; PubMed 25007885.

NM_004006.3(DMD):c.4065dup (p.Glu1356Ter)

Gene: DMD (dystrophin; minus strand). Cytogenetic location: Xp21.1.
Variant type: Duplication.
Coding change: c.4065dup on transcript NM_004006.3 (MANE Select); coding-DNA position 4065, one base duplicated (T; older notation c.4065dupT).
Protein change: p.Glu1356Ter; replaces glutamic acid 1356 with a stop codon.
Molecular consequence: nonsense.
Genome position (GRCh38, 1-based): chrX:32,438,247, A duplicated on the plus strand (T on the coding strand, the reverse complement: DMD is on the minus strand). VCF-style (leftmost placement, unchanged base first): chrX-32438246-C-CA. GRCh37 (hg19) VCF-style: chrX-32456363-C-CA.
Other names: c.4041dup, p.Glu1348Ter (NM_000109.4); c.4053dup, p.Glu1352Ter (NM_004009.3); c.3696dup, p.Glu1233Ter (NM_004010.3); short protein forms E1352*, E1356*, E1233*, E1348*.
Identifiers: ClinVar variation 4733255 (VCV004733255.1).